The following is an entry in ClinVar:

NM_005005.3(NDUFB9):c.409-1G>C

Gene: NDUFB9 (NADH:ubiquinone oxidoreductase subunit B9; plus strand). Cytogenetic location: 8q24.13.
Variant type: single nucleotide variant.
Coding change: c.409-1G>C on transcript NM_005005.3 (MANE Select); the canonical splice acceptor site of the intron before coding-DNA position 409, G replaced by C.
Molecular consequence: splice acceptor variant.
Genome position (GRCh38, 1-based): chr8:124,549,760, G>C. VCF-style: chr8-124549760-G-C. GRCh37 (hg19) VCF-style: chr8-125562001-G-C.
Other names: c.280-1G>C (NM_001278646.2); c.376-1G>C (NM_001311168.2); c.241-1G>C (NM_001278645.2).
Identifiers: ClinVar variation 2573535 (VCV002573535.1), dbSNP rs1822293542, ClinGen allele CA372177163.

ClinVar aggregate classification (germline): Uncertain significance (1 of 4 stars; one submission).

Allele frequency attached by ClinVar (database versions not stated): TOPMed 0.00001; gnomAD exomes 0.00002.
gnomAD v4.1: 26 of 1,613,970 alleles (0.0016%); highest among the groups gnomAD compares: Non-Finnish European, 0.0021%; no homozygotes.

Submission:

Women's Health and Genetics/Laboratory Corporation of America, LabCorp
Classification: Uncertain significance. Last evaluated: 2023-06-05. Review status: criteria provided, single submitter. Criteria: LabCorp Variant Classification Summary - May 2015. Collection method: clinical testing. Allele origin: germline.
Comment: Variant summary: NDUFB9 c.409-1G>C is located in a canonical splice-site and is predicted to affect mRNA splicing resulting in a significantly altered protein due to either exon skipping, shortening, or inclusion of intronic material. Several computational tools predict a significant impact on normal splicing: Four predict the variant abolishes a canonical 3' acceptor site, and three predict the variant creates a cryptic 3' acceptor site 6nt downstream into exon 4. However, these predictions have yet to be confirmed by functional studies. The variant was absent in 250816 control chromosomes (gnomAD). The available data on variant occurrences in the general population are insufficient to allow any conclusion about variant significance. To our knowledge, no occurrence of c.409-1G>C in individuals affected with Mitochondrial Complex 1 Deficiency, Nuclear Type 24 and no experimental evidence demonstrating its impact on protein function have been reported. No clinical diagnostic laboratories have submitted clinical-significance assessments for this variant to ClinVar after 2014. Based on the evidence outlined above, the variant was classified as uncertain significance.